The following is an entry in ClinVar:

NM_001243133.2(NLRP3):c.2151-126G>A

Gene: NLRP3 (NLR family pyrin domain containing 3; plus strand). Cytogenetic location: 1q44.
Variant type: single nucleotide variant.
Coding change: c.2151-126G>A on transcript NM_001243133.2 (MANE Select); 126 bases into the intron before coding-DNA position 2151, G replaced by A.
Molecular consequence: intron variant.
Genome position (GRCh38, 1-based): chr1:247,429,459, G>A. VCF-style: chr1-247429459-G-A. GRCh37 (hg19) VCF-style: chr1-247592761-G-A.
Other names: c.2157-126G>A (NM_004895.5); c.2151-126G>A (NM_001127461.3, NM_001079821.3); c.2150+3860G>A (NM_001127462.3, NM_183395.3).
Identifiers: ClinVar variation 103036 (VCV000103036.2), dbSNP rs199476223, ClinGen allele CA230000.

ClinVar aggregate classification (germline): not provided (0 of 4 stars; one submission).

Allele frequency attached by ClinVar (database versions not stated): gnomAD exomes 0.00003; TOPMed 0.00008; gnomAD 0.00009 and 0.00010.

Submission:

Human Evolutionary Genetics, Institut Pasteur
No classification provided. Review status: no classification provided. Collection method: not provided. Allele origin: germline.
ClinVar note: Converted during submission from untested to not provided.